The following is an entry in ClinVar:

ClinVar aggregate classification (germline): Uncertain significance (1 of 4 stars; one submission).

Conditions:
Holoprosencephaly 5 (HPE5). Identifiers: Orphanet 2162, MedGen C1864827, MONDO:0012322, OMIM 609637.

Submission:

Labcorp Genetics (formerly Invitae), Labcorp
Classification: Uncertain significance for Holoprosencephaly 5. Last evaluated: 2023-03-17. Review status: criteria provided, single submitter. Criteria: Invitae Variant Classification Sherloc (09022015). Collection method: clinical testing. Allele origin: germline.
Comment: In summary, the available evidence is currently insufficient to determine the role of this variant in disease. Therefore, it has been classified as a Variant of Uncertain Significance. Experimental studies and prediction algorithms are not available or were not evaluated, and the functional significance of this variant is currently unknown. This variant has not been reported in the literature in individuals affected with ZIC2-related conditions. The frequency data for this variant in the population databases is considered unreliable, as metrics indicate poor data quality at this position in the gnomAD database. This variant, c.1383_1406del, results in the deletion of 8 amino acid(s) of the ZIC2 protein (p.Ala463_Ala470del), but otherwise preserves the integrity of the reading frame.

NM_007129.5(ZIC2):c.1383_1406del (p.Ala463_Ala470del)

Genes: ZIC2 (Zic family zinc finger 2; plus strand), LOC110008580 (Zic family member 2 polyalanine repeat instability region; plus strand). Cytogenetic location: 13q32.3.
Variant type: Deletion.
Coding change: c.1383_1406del on transcript NM_007129.5 (MANE Select); coding-DNA positions 1383 to 1406, 24 bases deleted (GGCGGCGGCTGCGGCGGCGGCGGC).
Protein change: p.Ala463_Ala470del.
Molecular consequence: inframe deletion.
Genome position (GRCh38, 1-based): chr13:99,985,466-99,985,489, GGCGGCGGCTGCGGCGGCGGCGGC deleted; deleting any 24 consecutive bases within chr13:99,985,461-99,985,489 gives the same sequence; the c. name uses the placement nearest the transcript's 3' end. VCF-style (leftmost placement, unchanged base first): chr13-99985460-AGCGGCGGCGGCGGCTGCGGCGGCG-A. GRCh37 (hg19) VCF-style: chr13-100637714-AGCGGCGGCGGCGGCTGCGGCGGCG-A.
Identifiers: ClinVar variation 2908653 (VCV002908653.3), dbSNP rs761822481, ClinGen allele CA612358327.